The following is an entry in ClinVar:

NM_015971.4(MRPS7):c.704C>T (p.Ala235Val)

Gene: MRPS7 (mitochondrial ribosomal protein S7; plus strand). Cytogenetic location: 17q25.1.
Variant type: single nucleotide variant.
Coding change: c.704C>T on transcript NM_015971.4 (MANE Select); coding-DNA position 704, C replaced by T.
Protein change: p.Ala235Val; replaces alanine 235 with valine.
Molecular consequence: missense variant.
Genome position (GRCh38, 1-based): chr17:75,265,898, C>T. VCF-style: chr17-75265898-C-T. GRCh37 (hg19) VCF-style: chr17-73261979-C-T.
Other names: c.704C>T (NM_015971.3); short protein forms A235V.
Identifiers: ClinVar variation 2892285 (VCV002892285.4), dbSNP rs753034365, ClinGen allele CA8760482.

ClinVar aggregate classification (germline): Uncertain significance. Review status: criteria provided, multiple submitters, no conflicts (2 of 4 stars). 2 submissions from 2 submitters: Uncertain significance (2). Last evaluated 2024-12-28.

Conditions:
MRPS7-related disorder. Also called: MRPS7-related condition.

Allele frequency attached by ClinVar (database versions not stated): gnomAD exomes 0.00003; gnomAD 0.00005; TOPMed 0.00006; ExAC 0.00012.

Submissions (2):

PreventionGenetics, part of Exact Sciences
Classification: Uncertain significance for MRPS7-related condition. Last evaluated: 2024-12-28. Review status: criteria provided, single submitter. Criteria: ACMG Guidelines, 2015. Collection method: clinical testing. Allele origin: germline.
Comment: The MRPS7 c.704C>T variant is predicted to result in the amino acid substitution p.Ala235Val. To our knowledge, this variant has not been reported in the literature. This variant is reported in 0.11% of alleles in individuals of Latino descent in gnomAD. Although we suspect that this variant may be benign, at this time, the clinical significance of this variant is uncertain due to the absence of conclusive functional and genetic evidence.

Labcorp Genetics (formerly Invitae), Labcorp
Classification: Uncertain significance. Last evaluated: 2023-12-02. Review status: criteria provided, single submitter. Criteria: Invitae Variant Classification Sherloc (09022015). Collection method: clinical testing. Allele origin: germline.
Comment: This sequence change replaces alanine, which is neutral and non-polar, with valine, which is neutral and non-polar, at codon 235 of the MRPS7 protein (p.Ala235Val). This variant is present in population databases (rs753034365, gnomAD 0.1%), and has an allele count higher than expected for a pathogenic variant. This variant has not been reported in the literature in individuals affected with MRPS7-related conditions. An algorithm developed to predict the effect of missense changes on protein structure and function (PolyPhen-2) suggests that this variant is likely to be disruptive. In summary, the available evidence is currently insufficient to determine the role of this variant in disease. Therefore, it has been classified as a Variant of Uncertain Significance.